The following is an entry in ClinVar:

ClinVar aggregate classification (germline): Benign/Likely benign. Review status: criteria provided, multiple submitters, no conflicts (2 of 4 stars). 3 submissions from 3 submitters: Benign (2); Likely benign (1). Last evaluated 2024-11-27.

Allele frequency attached by ClinVar (database versions not stated): gnomAD 0.03836; 1000 Genomes Project 0.03934; 1000 Genomes Project 30x 0.04091; TOPMed 0.04387; ESP Exome Variant Server 0.04791.
gnomAD v4.1: 62,520 of 1,596,276 alleles (3.9%); highest among the groups gnomAD compares: Middle Eastern, 8.2%; 1,381 homozygotes.

Submissions (3):

Blueprint Genetics
Classification: Likely benign. Last evaluated: 2024-11-27. Review status: criteria provided, single submitter. Criteria: ACMG Guidelines, 2015. Collection method: clinical testing. Allele origin: germline.

GeneDx
Classification: Benign. Last evaluated: 2018-06-15. Review status: criteria provided, single submitter. Criteria: GeneDx Variant Classification (06012015). Collection method: clinical testing. Allele origin: germline. Affected: yes.
Comment: This variant is considered likely benign or benign based on one or more of the following criteria: it is a conservative change, it occurs at a poorly conserved position in the protein, it is predicted to be benign by multiple in silico algorithms, and/or has population frequency not consistent with disease.

Breakthrough Genomics
Classification: Benign. Review status: criteria provided, single submitter. Criteria: ACMG Guidelines, 2015. Collection method: not provided. Allele origin: germline. Inheritance: Unknown mechanism. Affected: yes.

NM_002907.4(RECQL):c.17-16G>C

Gene: RECQL (RecQ like helicase; minus strand). Cytogenetic location: 12p12.1.
Variant type: single nucleotide variant.
Coding change: c.17-16G>C on transcript NM_002907.4 (MANE Select); 16 bases into the intron before coding-DNA position 17, G replaced by C.
Molecular consequence: intron variant.
Genome position (GRCh38, 1-based): chr12:21,491,732, C>G on the plus strand (G>C on the coding strand, the complement: RECQL is on the minus strand). VCF-style: chr12-21491732-C-G. GRCh37 (hg19) VCF-style: chr12-21644666-C-G.
Other names: c.17-16G>C (NM_032941.3).
Identifiers: ClinVar variation 679743 (VCV000679743.3), dbSNP rs71581964, ClinGen allele CA6479220.